The following is an entry in ClinVar:

NM_001370259.2(MEN1):c.1429dup (p.Glu477fs)

Gene: MEN1 (menin 1; minus strand). Cytogenetic location: 11q13.1.
Variant type: Duplication.
Coding change: c.1429dup on transcript NM_001370259.2 (MANE Select); coding-DNA position 1429, one base duplicated (G; older notation c.1429dupG).
Protein change: p.Glu477fs; shifts the reading frame from glutamic acid 477.
Molecular consequence: frameshift variant.
Genome position (GRCh38, 1-based): chr11:64,804,738, C duplicated on the plus strand (G on the coding strand, the reverse complement: MEN1 is on the minus strand); the first of 3 consecutive C bases (chr11:64,804,738-64,804,740); duplicating any one gives the same sequence. VCF-style (leftmost placement, unchanged base first): chr11-64804737-T-TC. GRCh37 (hg19) VCF-style: chr11-64572209-T-TC.
Other names: c.1429dupG (NM_130799.2); c.1444dup, p.Glu482fs (NM_000244.4, NM_130800.3, NM_130801.3 and 3 more transcripts); c.1555dup, p.Glu519fs (NM_001370251.2); c.1429dup, p.Glu477fs (NM_001370260.2, NM_001370261.2, NM_130799.3); c.1324dup, p.Glu442fs (NM_001370262.2, NM_001370263.2); short protein forms E442fs, E477fs, E482fs, E519fs.
Identifiers: ClinVar variation 279851 (VCV000279851.5), dbSNP rs886041214, ClinGen allele CA10603166.

ClinVar aggregate classification (germline): Pathogenic. Review status: criteria provided, multiple submitters, no conflicts (2 of 4 stars). 2 submissions from 2 submitters: Pathogenic (2). Last evaluated 2024-02-21.

Conditions:
Multiple endocrine neoplasia, type 1 (MEN1). Also called: Endocrine adenomatosis multiple; MEN 1; MEA I; MEN I; WERMER SYNDROME. Identifiers: Orphanet 652, MedGen C0025267, MeSH D018761, MONDO:0007540, OMIM 131100.

Submissions (2):

Labcorp Genetics (formerly Invitae), Labcorp
Classification: Pathogenic for Multiple endocrine neoplasia, type 1. Last evaluated: 2024-02-21. Review status: criteria provided, single submitter. Criteria: Invitae Variant Classification Sherloc (09022015). Collection method: clinical testing. Allele origin: germline.
Comment: This sequence change creates a premature translational stop signal (p.Glu477Glyfs*54) in the MEN1 gene. While this is not anticipated to result in nonsense mediated decay, it is expected to disrupt the last 134 amino acid(s) of the MEN1 protein. This variant is not present in population databases (gnomAD no frequency). This premature translational stop signal has been observed in individual(s) with multiple endocrine neoplasia type 1 (PMID: 9888389). This variant is also known as 1539insG. ClinVar contains an entry for this variant (Variation ID: 279851). This variant disrupts a region of the MEN1 protein in which other variant(s) (p.Thr580Argfs*8) have been determined to be pathogenic (Invitae). This suggests that this is a clinically significant region of the protein, and that variants that disrupt it are likely to be disease-causing. For these reasons, this variant has been classified as Pathogenic.

GeneDx
Classification: Pathogenic. Last evaluated: 2017-12-27. Review status: criteria provided, single submitter. Criteria: GeneDx Variant Classification (06012015). Collection method: clinical testing. Allele origin: germline. Affected: yes.
Comment: TThe c.1429dupG variant in the MEN1 gene has been previously reported in association with multiple endocrine neoplasia type 1 (Poncin et al., 1999). This duplication causes a frameshift starting with codon Glutamic Acid 477, changes this amino acid to a Glycine residue and creates a premature Stop codon at position 54 of the new reading frame, denoted p.Glu477GlyfsX54. This variant is predicted to cause loss of normal protein function through protein truncation. The c.1429dupG is not observed in large population cohorts (Lek et al., 2016). Based on currently available evidence, we consider c.1429dupG to be pathogenic.

Literature cited by the submitters: PubMed 9888389 (cited by Labcorp Genetics (formerly Invitae), Labcorp).